The following is an entry in ClinVar:

NM_000202.8(IDS):c.418+38T>A

Gene: IDS (iduronate 2-sulfatase; minus strand). Cytogenetic location: Xq28.
Variant type: single nucleotide variant.
Coding change: c.418+38T>A on transcript NM_000202.8 (MANE Select); 38 bases into the intron after coding-DNA position 418, T replaced by A.
Molecular consequence: intron variant.
Genome position (GRCh38, 1-based): chrX:149,503,274, A>T on the plus strand (T>A on the coding strand, the complement: IDS is on the minus strand). VCF-style: chrX-149503274-A-T. GRCh37 (hg19) VCF-style: chrX-148584804-A-T.
Other names: c.148+38T>A (NM_001166550.4); c.418+38T>A (NM_006123.5).
Identifiers: ClinVar variation 5007513 (VCV005007513.2).

ClinVar aggregate classification (germline): Uncertain significance (1 of 4 stars; one submission).

Conditions:
Mucopolysaccharidosis, MPS-II (MPS2). Also called: Mucopolysaccharidosis with skin involvement; Attenuated MPS (subtype; formerly known as mild MPS II); Severe MPS II; I2S deficiency; MPS 2; Hunter Syndrome. Identifiers: Orphanet 580, Orphanet 79388, MedGen C0026705, MONDO:0010674, OMIM 309900.

Submission:

Juno Genomics, Hangzhou Juno Genomics, Inc
Classification: Uncertain significance for Mucopolysaccharidosis, MPS-II. Review status: criteria provided, single submitter. Criteria: ACMG Guidelines, 2015. Collection method: clinical testing. Allele origin: germline.
Comment: Absent from controls (or at extremely low frequency if recessive) in Genome Aggregation Database.;Multiple lines of computational evidence support a deleterious effect on the gene or gene product.